The following is an entry in ClinVar:

ClinVar aggregate classification (germline): Uncertain significance. Review status: criteria provided, multiple submitters, no conflicts (2 of 4 stars). 2 submissions from 2 submitters: Uncertain significance (2). Last evaluated 2026-07-07.

Conditions:
Hereditary cancer-predisposing syndrome. Also called: Tumor predisposition; Hereditary Cancer Syndrome; Hereditary neoplastic syndrome; Neoplastic Syndromes, Hereditary. Identifiers: Orphanet 140162, MedGen C0027672, MeSH D009386, MONDO:0015356.

Submissions (2):

Ambry Genetics
Classification: Uncertain significance for Hereditary cancer-predisposing syndrome. Last evaluated: 2026-07-07. Review status: criteria provided, single submitter. Criteria: Ambry Variant Classification Scheme 2023. Collection method: clinical testing. Allele origin: germline.
Comment: The p.A760T variant (also known as c.2278G>A), located in coding exon 16 of the MSH3 gene, results from a G to A substitution at nucleotide position 2278. The alanine at codon 760 is replaced by threonine, an amino acid with similar properties. This amino acid position is conserved. In addition, this alteration is predicted to be tolerated by in silico analysis. Based on the available evidence, the clinical significance of this variant remains unclear.

Labcorp Genetics (formerly Invitae), Labcorp
Classification: Uncertain significance. Last evaluated: 2022-08-02. Review status: criteria provided, single submitter. Criteria: Invitae Variant Classification Sherloc (09022015). Collection method: clinical testing. Allele origin: germline.
Comment: This sequence change replaces alanine, which is neutral and non-polar, with threonine, which is neutral and polar, at codon 760 of the MSH3 protein (p.Ala760Thr). This variant is not present in population databases (gnomAD no frequency). This variant has not been reported in the literature in individuals affected with MSH3-related conditions. ClinVar contains an entry for this variant (Variation ID: 1026993). Algorithms developed to predict the effect of missense changes on protein structure and function (SIFT, PolyPhen-2, Align-GVGD) all suggest that this variant is likely to be tolerated. In summary, the available evidence is currently insufficient to determine the role of this variant in disease. Therefore, it has been classified as a Variant of Uncertain Significance.

NM_002439.5(MSH3):c.2278G>A (p.Ala760Thr)

Gene: MSH3 (mutS homolog 3; plus strand). Cytogenetic location: 5q14.1.
Variant type: single nucleotide variant.
Coding change: c.2278G>A on transcript NM_002439.5 (MANE Select); coding-DNA position 2278, G replaced by A.
Protein change: p.Ala760Thr; replaces alanine 760 with threonine.
Molecular consequence: missense variant.
Genome position (GRCh38, 1-based): chr5:80,775,718, G>A. VCF-style: chr5-80775718-G-A. GRCh37 (hg19) VCF-style: chr5-80071537-G-A.
Other names: c.2278G>A (NM_002439.3); short protein forms A760T.
Identifiers: ClinVar variation 1026993 (VCV001026993.9), dbSNP rs1744285969, ClinGen allele CA360280784.
Genomic context (GRCh38, chr5:80,775,718, plus strand): 5'-CTTATCTAAATCTCTGTTTATTTGTATTTGTTTTAGTTTATGATAGAAATAAAGAACTCT[G>A]CTGTATCTTGTATACCAACTGATTGGGTAAAGGTTGGAAGGTAGGTTTAAAATAAATTTT-3'
Protein context (NP_002430.3, residues 750-770): QEFMIEIKNS[Ala760Thr]VSCIPTDWVK